The following is an entry in ClinVar:

ClinVar aggregate classification (germline): Uncertain significance (1 of 4 stars; one submission).

Conditions:
Baller-Gerold syndrome (BGS). Also called: CRANIOSYNOSTOSIS WITH RADIAL DEFECTS. Identifiers: Orphanet 1225, MedGen C0265308, MONDO:0009039, OMIM 218600.

Submission:

Labcorp Genetics (formerly Invitae), Labcorp
Classification: Uncertain significance for Baller-Gerold syndrome. Last evaluated: 2019-08-08. Review status: criteria provided, single submitter. Criteria: Invitae Variant Classification Sherloc (09022015). Collection method: clinical testing. Allele origin: germline.
Comment: This sequence change replaces glutamic acid with glycine at codon 827 of the RECQL4 protein (p.Glu827Gly). The glutamic acid residue is highly conserved and there is a moderate physicochemical difference between glutamic acid and glycine. In summary, the available evidence is currently insufficient to determine the role of this variant in disease. Therefore, it has been classified as a Variant of Uncertain Significance. Algorithms developed to predict the effect of missense changes on protein structure and function (SIFT, PolyPhen-2, Align-GVGD) all suggest that this variant is likely to be disruptive, but these predictions have not been confirmed by published functional studies and their clinical significance is uncertain. This variant has not been reported in the literature in individuals with RECQL4-related conditions. This variant is not present in population databases (ExAC no frequency).

NM_004260.4(RECQL4):c.2480A>G (p.Glu827Gly)

Gene: RECQL4 (RecQ like helicase 4; minus strand). Cytogenetic location: 8q24.3.
Variant type: single nucleotide variant.
Coding change: c.2480A>G on transcript NM_004260.4 (MANE Select); coding-DNA position 2480, A replaced by G.
Protein change: p.Glu827Gly; replaces glutamic acid 827 with glycine.
Molecular consequence: missense variant.
Genome position (GRCh38, 1-based): chr8:144,513,122, T>C on the plus strand (A>G on the coding strand, the complement: RECQL4 is on the minus strand). VCF-style: chr8-144513122-T-C. GRCh37 (hg19) VCF-style: chr8-145738505-T-C.
Other names: short protein forms E827G.
Identifiers: ClinVar variation 943849 (VCV000943849.5), dbSNP rs1827567523, ClinGen allele CA372677556.